The following is an entry in ClinVar:

ClinVar aggregate classification (germline): Likely benign (1 of 4 stars; one submission).

Conditions:
POMT2-related disorder. Also called: POMT2-related condition.

gnomAD v4.1: 134 of 1,560,772 alleles (0.0086%); highest among the groups gnomAD compares: African/African-American, 0.14%; no homozygotes.

Submission:

PreventionGenetics, part of Exact Sciences
Classification: Likely benign for POMT2-related condition. Last evaluated: 2025-04-08. Review status: criteria provided, single submitter. Criteria: ACMG Guidelines, 2015. Collection method: clinical testing. Allele origin: germline.
Comment: This variant is classified as likely benign based on ACMG/AMP sequence variant interpretation guidelines (Richards et al. 2015 PMID: 25741868, with internal and published modifications).

NM_013382.7(POMT2):c.-65T>G

Genes: POMT2 (protein O-mannosyltransferase 2; minus strand), LOC130056177 (ATAC-STARR-seq lymphoblastoid silent region 5970; plus strand). Cytogenetic location: 14q24.3.
Variant type: single nucleotide variant.
Coding change: c.-65T>G on transcript NM_013382.7 (MANE Select); 65 bases upstream of the start codon, T replaced by G.
Molecular consequence: 5 prime UTR variant.
Genome position (GRCh38, 1-based): chr14:77,320,746, A>C on the plus strand (T>G on the coding strand, the complement: POMT2 is on the minus strand). VCF-style: chr14-77320746-A-C. GRCh37 (hg19) VCF-style: chr14-77787089-A-C.
Identifiers: ClinVar variation 4989887 (VCV004989887.1).